The following is an entry in ClinVar:

NM_002905.5(RDH5):c.6G>A (p.Trp2Ter)

Genes: BLOC1S1-RDH5 (BLOC1S1-RDH5 readthrough; plus strand), RDH5 (retinol dehydrogenase 5; plus strand). Cytogenetic location: 12q13.2.
Variant type: single nucleotide variant.
Coding change: c.6G>A on transcript NM_002905.5 (MANE Select); coding-DNA position 6, G replaced by A.
Protein change: p.Trp2Ter; replaces tryptophan 2 with a stop codon.
Molecular consequence: nonsense.
Genome position (GRCh38, 1-based): chr12:55,721,190, G>A. VCF-style: chr12-55721190-G-A. GRCh37 (hg19) VCF-style: chr12-56114974-G-A.
Other names: c.6G>A, p.Trp2Ter (NM_001199771.3); short protein forms W2*.
Identifiers: ClinVar variation 3609047 (VCV003609047.2).
Genomic context (GRCh38, chr12:55,721,190, plus strand): 5'-ACAAGTTTTTCTGCCCAGCCTAGGCTGCCACCTGTAGGTCACTTGGGCTCCAGCTATGTG[G>A]CTGCCTCTTCTGCTGGGTGCCTTACTCTGGGCAGTGCTGTGGTTGCTCAGGGACCGGCAG-3'

ClinVar aggregate classification (germline): Pathogenic (1 of 4 stars; one submission).

gnomAD v4.1: 1 of 1,613,906 alleles (0.000062%); highest among the groups gnomAD compares: Admixed American, 0.0017%; no homozygotes.

Submission:

Labcorp Genetics (formerly Invitae), Labcorp
Classification: Pathogenic. Last evaluated: 2024-03-12. Review status: criteria provided, single submitter. Criteria: Invitae Variant Classification Sherloc (09022015). Collection method: clinical testing. Allele origin: germline.
Comment: This sequence change creates a premature translational stop signal (p.Trp2*) in the RDH5 gene. It is expected to result in an absent or disrupted protein product. Loss-of-function variants in RDH5 are known to be pathogenic (PMID: 11675386, 22815624). This variant is present in population databases (no rsID available, gnomAD 0.003%). This variant has not been reported in the literature in individuals affected with RDH5-related conditions. For these reasons, this variant has been classified as Pathogenic.

Literature cited by the submitters: PubMed 11675386; PubMed 22815624.